The following is an entry in ClinVar:

NM_001006658.3(CR2):c.721_722del (p.Phe241fs)

Gene: CR2 (complement C3d receptor 2; plus strand). Cytogenetic location: 1q32.2.
Variant type: Deletion.
Coding change: c.721_722del on transcript NM_001006658.3 (MANE Select); coding-DNA positions 721 to 722, 2 bases deleted (TT; older notation c.721_722delTT).
Protein change: p.Phe241fs; shifts the reading frame from phenylalanine 241.
Molecular consequence: frameshift variant.
Genome position (GRCh38, 1-based): chr1:207,468,886-207,468,887, TT deleted; deleting any 2 consecutive bases within chr1:207,468,883-207,468,887 gives the same sequence; the c. name uses the placement nearest the transcript's 3' end. VCF-style (leftmost placement, unchanged base first): chr1-207468882-CTT-C. GRCh37 (hg19) VCF-style: chr1-207642227-CTT-C.
Other names: c.721_722delTT (NM_001006658.2); c.721_722del, p.Phe241fs (NM_001877.5); short protein forms F241fs.
Identifiers: ClinVar variation 576907 (VCV000576907.6), dbSNP rs749636258, ClinGen allele CA344526898.

ClinVar aggregate classification (germline): Pathogenic (1 of 4 stars; one submission).

Conditions:
Immunodeficiency, common variable, 7. Identifiers: Orphanet 1572, Orphanet 696894, MedGen C3542922, MONDO:0013862, OMIM 614699.

Submission:

Labcorp Genetics (formerly Invitae), Labcorp
Classification: Pathogenic for Immunodeficiency, common variable, 7. Last evaluated: 2025-08-19. Review status: criteria provided, single submitter. Criteria: Invitae Variant Classification Sherloc (09022015). Collection method: clinical testing. Allele origin: germline.
Comment: This sequence change creates a premature translational stop signal (p.Phe241Leufs*2) in the CR2 gene. It is expected to result in an absent or disrupted protein product. Loss-of-function variants in CR2 are known to be pathogenic (PMID: 26325596, 28499783). This variant is not present in population databases (gnomAD no frequency). This variant has not been reported in the literature in individuals affected with CR2-related conditions. ClinVar contains an entry for this variant (Variation ID: 576907). For these reasons, this variant has been classified as Pathogenic.

Literature cited by the submitters: PubMed 26325596; PubMed 28499783.